The following is an entry in ClinVar:

ClinVar aggregate classification (germline): Uncertain significance (1 of 4 stars; one submission).

Submission:

Labcorp Genetics (formerly Invitae), Labcorp
Classification: Uncertain significance. Last evaluated: 2022-06-14. Review status: criteria provided, single submitter. Criteria: Invitae Variant Classification Sherloc (09022015). Collection method: clinical testing. Allele origin: germline.
Comment: This variant is not present in population databases (gnomAD no frequency). This variant has not been reported in the literature in individuals affected with CTNNA1-related conditions. Algorithms developed to predict the effect of missense changes on protein structure and function are either unavailable or do not agree on the potential impact of this missense change (SIFT: "Deleterious"; PolyPhen-2: "Probably Damaging"; Align-GVGD: "Class C0"). In summary, the available evidence is currently insufficient to determine the role of this variant in disease. Therefore, it has been classified as a Variant of Uncertain Significance. This sequence change replaces glutamic acid, which is acidic and polar, with lysine, which is basic and polar, at codon 310 of the CTNNA1 protein (p.Glu310Lys).

NM_001903.5(CTNNA1):c.928G>A (p.Glu310Lys)

Gene: CTNNA1 (catenin alpha 1; plus strand). Cytogenetic location: 5q31.2.
Variant type: single nucleotide variant.
Coding change: c.928G>A on transcript NM_001903.5 (MANE Select); coding-DNA position 928, G replaced by A.
Protein change: p.Glu310Lys; replaces glutamic acid 310 with lysine.
Molecular consequence: missense variant.
Genome position (GRCh38, 1-based): chr5:138,827,584, G>A. VCF-style: chr5-138827584-G-A. GRCh37 (hg19) VCF-style: chr5-138163273-G-A.
Other names: c.928G>A, p.Glu310Lys (NM_001290307.3, NM_001323982.2, NM_001323983.1 and 3 more transcripts); c.619G>A, p.Glu207Lys (NM_001290309.3); c.559G>A, p.Glu187Lys (NM_001290310.3); short protein forms E187K, E207K, E310K.
Identifiers: ClinVar variation 2006084 (VCV002006084.4), dbSNP rs2149785674, ClinGen allele CA361130864.